The following is an entry in ClinVar:

NM_001041.4(SI):c.22G>T (p.Gly8Ter)

Gene: SI (sucrase-isomaltase; minus strand). Cytogenetic location: 3q26.1.
Variant type: single nucleotide variant.
Coding change: c.22G>T on transcript NM_001041.4 (MANE Select); coding-DNA position 22, G replaced by T.
Protein change: p.Gly8Ter; replaces glycine 8 with a stop codon.
Molecular consequence: nonsense.
Genome position (GRCh38, 1-based): chr3:165,075,991, C>A on the plus strand (G>T on the coding strand, the complement: SI is on the minus strand). VCF-style: chr3-165075991-C-A. GRCh37 (hg19) VCF-style: chr3-164793779-C-A.
Other names: short protein forms G8*.
Identifiers: ClinVar variation 3712623 (VCV003712623.2).

ClinVar aggregate classification (germline): Pathogenic (1 of 4 stars; one submission).

gnomAD v4.1: 24 of 1,586,310 alleles (0.0015%); highest among the groups gnomAD compares: Non-Finnish European, 0.002%; no homozygotes.

Submission:

Labcorp Genetics (formerly Invitae), Labcorp
Classification: Pathogenic. Last evaluated: 2024-08-28. Review status: criteria provided, single submitter. Criteria: Invitae Variant Classification Sherloc (09022015). Collection method: clinical testing. Allele origin: germline.
Comment: This sequence change creates a premature translational stop signal (p.Gly8*) in the SI gene. It is expected to result in an absent or disrupted protein product. Loss-of-function variants in SI are known to be pathogenic (PMID: 16329100, 23103650, 25452324). This variant is not present in population databases (gnomAD no frequency). This variant has not been reported in the literature in individuals affected with SI-related conditions. Algorithms developed to predict the effect of sequence changes on RNA splicing suggest that this variant may disrupt the consensus splice site. For these reasons, this variant has been classified as Pathogenic.

Literature cited by the submitters: PubMed 16329100; PubMed 23103650; PubMed 25452324.